The following is an entry in ClinVar:

ClinVar aggregate classification (germline): Uncertain significance. Review status: criteria provided, multiple submitters, no conflicts (2 of 4 stars). 2 submissions from 2 submitters: Uncertain significance (2). Last evaluated 2024-01-17.

Allele frequency attached by ClinVar (database versions not stated): ExAC 0.00001; gnomAD 0.00001; gnomAD exomes 0.00001; TOPMed 0.00002.

Submissions (2):

Blueprint Genetics
Classification: Uncertain significance. Last evaluated: 2024-01-17. Review status: criteria provided, single submitter. Criteria: ACMG Guidelines, 2015. Collection method: clinical testing. Allele origin: germline.

Labcorp Genetics (formerly Invitae), Labcorp
Classification: Uncertain significance. Last evaluated: 2022-08-16. Review status: criteria provided, single submitter. Criteria: Invitae Variant Classification Sherloc (09022015). Collection method: clinical testing. Allele origin: germline.
Comment: In summary, the available evidence is currently insufficient to determine the role of this variant in disease. Therefore, it has been classified as a Variant of Uncertain Significance. Advanced modeling of protein sequence and biophysical properties (such as structural, functional, and spatial information, amino acid conservation, physicochemical variation, residue mobility, and thermodynamic stability) performed at Invitae indicates that this missense variant is not expected to disrupt PCYT1A protein function. This variant has not been reported in the literature in individuals affected with PCYT1A-related conditions. This variant is present in population databases (rs200703149, gnomAD 0.003%). This sequence change replaces proline, which is neutral and non-polar, with serine, which is neutral and polar, at codon 332 of the PCYT1A protein (p.Pro332Ser).

NM_001312673.2(PCYT1A):c.994C>T (p.Pro332Ser)

Gene: PCYT1A (phosphate cytidylyltransferase 1A, choline; minus strand). Cytogenetic location: 3q29.
Variant type: single nucleotide variant.
Coding change: c.994C>T on transcript NM_001312673.2 (MANE Select); coding-DNA position 994, C replaced by T.
Protein change: p.Pro332Ser; replaces proline 332 with serine.
Molecular consequence: missense variant.
Genome position (GRCh38, 1-based): chr3:196,238,798, G>A on the plus strand (C>T on the coding strand, the complement: PCYT1A is on the minus strand). VCF-style: chr3-196238798-G-A. GRCh37 (hg19) VCF-style: chr3-195965669-G-A.
Other names: c.994C>T, p.Pro332Ser (NM_005017.4); short protein forms P332S.
Identifiers: ClinVar variation 1896613 (VCV001896613.5), dbSNP rs200703149, ClinGen allele CA2779359.